The following is an entry in ClinVar:

ClinVar aggregate classification (germline): Uncertain significance (1 of 4 stars; one submission).

Submission:

Ambry Genetics
Classification: Uncertain significance. Last evaluated: 2024-04-17. Review status: criteria provided, single submitter. Criteria: Ambry Variant Classification Scheme 2023. Collection method: clinical testing. Allele origin: germline.
Comment: The p.M959I variant (also known as c.2877G>A), located in coding exon 16 of the PALLD gene, results from a G to A substitution at nucleotide position 2877. The methionine at codon 959 is replaced by isoleucine, an amino acid with highly similar properties. This amino acid position is conserved. In addition, the in silico prediction for this alteration is inconclusive. Since supporting evidence is limited at this time, the clinical significance of this alteration remains unclear.

NM_001166108.2(PALLD):c.2928G>A (p.Met976Ile)

Genes: CBR4 (carbonyl reductase 4; minus strand), PALLD (palladin, cytoskeletal associated protein; plus strand). Cytogenetic location: 4q32.3.
Variant type: single nucleotide variant.
Coding change: c.2928G>A on transcript NM_001166108.2 (MANE Select); coding-DNA position 2928, G replaced by A.
Protein change: p.Met976Ile; replaces methionine 976 with isoleucine.
Molecular consequence: missense variant.
Genome position (GRCh38, 1-based): chr4:168,921,611, G>A. VCF-style: chr4-168921611-G-A. GRCh37 (hg19) VCF-style: chr4-169842762-G-A.
Other names: c.1731G>A, p.Met577Ile (NM_001166109.2); c.1416G>A, p.Met472Ile (NM_001166110.2); c.756G>A, p.Met252Ile (NM_001367567.1, NM_001367569.1); c.807G>A, p.Met269Ile (NM_001367568.1, NM_001367570.1); c.2877G>A, p.Met959Ile (NM_016081.4); short protein forms M577I, M472I, M269I, M959I, M976I, M252I.
Identifiers: ClinVar variation 1797116 (VCV001797116.3), dbSNP rs2534193398, ClinGen allele CA358708818.